The following is an entry in ClinVar:

NM_014804.3(KIAA0753):c.757C>T (p.Arg253Ter)

Gene: KIAA0753 (KIAA0753; minus strand). Cytogenetic location: 17p13.1.
Variant type: single nucleotide variant.
Coding change: c.757C>T on transcript NM_014804.3 (MANE Select); coding-DNA position 757, C replaced by T.
Protein change: p.Arg253Ter; replaces arginine 253 with a stop codon.
Molecular consequence: nonsense. On other transcripts: 5 prime UTR variant (1), non-coding transcript variant (1).
Genome position (GRCh38, 1-based): chr17:6,624,823, G>A on the plus strand (C>T on the coding strand, the complement: KIAA0753 is on the minus strand). VCF-style: chr17-6624823-G-A. GRCh37 (hg19) VCF-style: chr17-6528143-G-A.
Other names: c.-478C>T (NM_001351225.2); c.757C>T (NM_014804.2); short protein forms R253*.
Identifiers: ClinVar variation 2427871 (VCV002427871.11), dbSNP rs774903749, ClinGen allele CA8330710.

ClinVar aggregate classification (germline): Pathogenic/Likely pathogenic. Review status: criteria provided, multiple submitters, no conflicts (2 of 4 stars). 5 submissions from 5 submitters: Pathogenic (2); Likely pathogenic (3). Last evaluated 2025-12-08.

Conditions:
KIAA0753-related disorder.
Orofaciodigital syndrome XV (OFD15). Also called: OFDS XV; ORAL-FACIAL-DIGITAL SYNDROME, TYPE XV. Identifiers: MedGen C4310701, MONDO:0014932, OMIM 617127.
Joubert syndrome 38. Identifiers: MedGen C5561958, MONDO:0030353, OMIM 619476.
Short-rib thoracic dysplasia 21 without polydactyly. Identifiers: MedGen C5561961, MONDO:0030356, OMIM 619479.
Inborn genetic diseases. Identifiers: MedGen C0950123, MeSH D030342.

Allele frequency attached by ClinVar (database versions not stated): gnomAD 0.00011; TOPMed 0.00011; gnomAD exomes 0.00022; ExAC 0.00025.

Submissions (5):

Labcorp Genetics (formerly Invitae), Labcorp
Classification: Pathogenic. Last evaluated: 2025-12-08. Review status: criteria provided, single submitter. Criteria: Invitae Variant Classification Sherloc (09022015). Collection method: clinical testing. Allele origin: germline.
Comment: This sequence change creates a premature translational stop signal (p.Arg253*) in the KIAA0753 gene. It is expected to result in an absent or disrupted protein product. Loss-of-function variants in KIAA0753 are known to be pathogenic (PMID: 29138412). This variant is present in population databases (rs774903749, gnomAD 0.02%). This variant has not been reported in the literature in individuals affected with KIAA0753-related conditions. ClinVar contains an entry for this variant (Variation ID: 2427871). For these reasons, this variant has been classified as Pathogenic.

Blueprint Genetics
Classification: Likely pathogenic for KIAA0753-related disorders. Last evaluated: 2024-06-14. Review status: criteria provided, single submitter. Criteria: ACMG Guidelines, 2015. Collection method: clinical testing. Allele origin: germline. Affected: yes. Observed: 5 variant alleles.

Department of Pathology and Laboratory Medicine, Sinai Health System
Classification: Likely pathogenic for Short-rib thoracic dysplasia 21 without polydactyly; Orofaciodigital syndrome XV. Last evaluated: 2022-04-05. Review status: criteria provided, single submitter. Criteria: ACMG Guidelines, 2015. Collection method: research. Allele origin: germline.

Ambry Genetics
Classification: Pathogenic for Inborn genetic diseases. Last evaluated: 2021-07-23. Review status: criteria provided, single submitter. Criteria: Ambry Variant Classification Scheme 2023. Collection method: clinical testing. Allele origin: germline.
Comment: The c.757C>T (p.R253*) alteration, located in exon 4 (coding exon 3) of the KIAA0753 gene, consists of a C to T substitution at nucleotide position 757. This changes the amino acid from an arginine (R) to a stop codon at amino acid position 253. This alteration is expected to result in loss of function by premature protein truncation or nonsense-mediated mRNA decay. Based on the available evidence, this alteration is classified as pathogenic.

Juno Genomics, Hangzhou Juno Genomics, Inc
Classification: Likely pathogenic for Joubert syndrome 38; Orofaciodigital syndrome XV; Short-rib thoracic dysplasia 21 without polydactyly. Review status: criteria provided, single submitter. Criteria: ACMG Guidelines, 2015. Collection method: clinical testing. Allele origin: germline.
Comment: Null variant in a gene where loss of function (LOF) is a known mechanism of disease.;Absent from controls (or at extremely low frequency if recessive) in Genome Aggregation Database.

Literature cited by the submitters: PubMed 29138412 (cited by Labcorp Genetics (formerly Invitae), Labcorp).